The following is an entry in ClinVar:

ClinVar aggregate classification (germline): Uncertain significance. Review status: criteria provided, multiple submitters, no conflicts (2 of 4 stars). 8 submissions from 6 submitters: Uncertain significance (8). Last evaluated 2025-11-25.

Conditions:
Cardiomyopathy (CMYO). Also called: Cardiomyopathies. Identifiers: Orphanet 167848, MedGen C0878544, MONDO:0004994, HP:0001638. Inheritance: Various modes of inheritance.
Cardiovascular phenotype. Identifiers: MedGen CN230736.
Dilated cardiomyopathy 1D. Identifiers: Orphanet 154, Orphanet 54260, MedGen C1832243, MONDO:0011095, OMIM 601494.
Hypertrophic cardiomyopathy 2. Also called: TNNT2-Related Familial Hypertrophic Cardiomyopathy. Identifiers: MedGen C1861864, MONDO:0007266, OMIM 115195.
Cardiomyopathy, familial restrictive, 3. Identifiers: Orphanet 75249, MedGen C2676271, MONDO:0012900, OMIM 612422.

Allele frequency attached by ClinVar (database versions not stated): gnomAD exomes below 0.00001; ExAC 0.00001; gnomAD 0.00001 and 0.00002; TOPMed 0.00001; 1000 Genomes Project 30x 0.00016; 1000 Genomes Project 0.00020.
gnomAD v4.1: 5 of 1,612,442 alleles (0.00031%); highest among the groups gnomAD compares: African/African-American, 0.0027%; no homozygotes.

Submissions (8):

Labcorp Genetics (formerly Invitae), Labcorp
Classification: Uncertain significance for Cardiomyopathy, familial restrictive, 3; Hypertrophic cardiomyopathy 2; Dilated cardiomyopathy 1D. Last evaluated: 2025-11-25. Review status: criteria provided, single submitter. Criteria: Invitae Variant Classification Sherloc (09022015). Collection method: clinical testing. Allele origin: germline.
Comment: This sequence change replaces arginine, which is basic and polar, with histidine, which is basic and polar, at codon 151 of the TNNT2 protein (p.Arg151His). The frequency data for this variant in the population databases is considered unreliable, as metrics indicate poor data quality at this position in the gnomAD database. This missense change has been observed in individual(s) with dilated cardiomyopathy and/or left ventricular noncompaction (PMID: 20530761, 37652022). ClinVar contains an entry for this variant (Variation ID: 437410). Invitae Evidence Modeling of protein sequence and biophysical properties (such as structural, functional, and spatial information, amino acid conservation, physicochemical variation, residue mobility, and thermodynamic stability) indicates that this missense variant is not expected to disrupt TNNT2 protein function with a negative predictive value of 80%. This variant disrupts the p.Arg151 amino acid residue in TNNT2. Other variant(s) that disrupt this residue have been observed in individuals with TNNT2-related conditions (PMID: 32969603), which suggests that this may be a clinically significant amino acid residue. In summary, the available evidence is currently insufficient to determine the role of this variant in disease. Therefore, it has been classified as a Variant of Uncertain Significance.

Ambry Genetics
Classification: Uncertain significance for Cardiovascular phenotype. Last evaluated: 2025-09-16. Review status: criteria provided, single submitter. Criteria: Ambry Variant Classification Scheme 2023. Collection method: clinical testing. Allele origin: germline.
Comment: The p.R151H variant (also known as c.452G>A), located in coding exon 9 of the TNNT2 gene, results from a G to A substitution at nucleotide position 452. The arginine at codon 151 is replaced by histidine, an amino acid with highly similar properties. This amino acid position is well conserved in available vertebrate species. In addition, this alteration is predicted to be deleterious by in silico analysis. Based on the available evidence, the clinical significance of this variant remains unclear.

GeneDx
Classification: Uncertain significance. Last evaluated: 2025-05-27. Review status: criteria provided, single submitter. Criteria: GeneDx Variant Classification Process June 2021. Collection method: clinical testing. Allele origin: germline. Affected: yes.
Comment: Identified in patients with dilated cardiomyopathy (DCM) referred for genetic testing at GeneDx and in published literature (PMID: 37652022); Not observed at significant frequency in large population cohorts (gnomAD); In silico analysis supports that this missense variant has a deleterious effect on protein structure/function; Also known as c.482G>A, p.(R161H); This variant is associated with the following publications: (PMID: 20530761, 37652022)

Color Diagnostics, LLC DBA Color Health
Classification: Uncertain significance for Cardiomyopathy. Last evaluated: 2024-09-16. Review status: criteria provided, single submitter. Criteria: ACMG Guidelines, 2015. Collection method: clinical testing. Allele origin: germline.
Comment: This missense variant replaces arginine with histidine at codon 151 of the TNNT2 protein. This variant is found within a highly conserved region of the tropomyosin binding domain. Missense variants in this region have been shown to be significantly overrepresented in individuals with affected with hypertrophic cardiomyopathy (PMID: 30696458). Computational prediction tools indicate that this variant has a deleterious impact on protein structure and function. To our knowledge, functional studies have not been reported for this variant. This variant has been reported in an individual affected with left ventricular noncompaction cardiomyopathy (PMID: 20530761). This variant has been identified in 1/248554 chromosomes in the general population by the Genome Aggregation Database (gnomAD). The available evidence is insufficient to determine the role of this variant in disease conclusively. Therefore, this variant is classified as a Variant of Uncertain Significance.

Genome-Nilou Lab
Classification: Uncertain significance for Dilated cardiomyopathy 1D. Last evaluated: 2023-04-11. Review status: criteria provided, single submitter. Criteria: ACMG Guidelines, 2015. Collection method: clinical testing. Allele origin: germline. Affected: no.

Genome-Nilou Lab
Classification: Uncertain significance for Cardiomyopathy, familial restrictive, 3. Last evaluated: 2023-04-11. Review status: criteria provided, single submitter. Criteria: ACMG Guidelines, 2015. Collection method: clinical testing. Allele origin: germline. Affected: no.

Genome-Nilou Lab
Classification: Uncertain significance for Hypertrophic cardiomyopathy 2. Last evaluated: 2023-04-11. Review status: criteria provided, single submitter. Criteria: ACMG Guidelines, 2015. Collection method: clinical testing. Allele origin: germline. Affected: no.

Center of Genomic medicine, Geneva, University Hospital of Geneva
Classification: Uncertain significance for Dilated cardiomyopathy 1D. Last evaluated: 2016-11-21. Review status: criteria provided, single submitter. Criteria: ACMG Guidelines, 2015. Collection method: clinical testing. Allele origin: maternal. Affected: yes.

Literature cited by the submitters: PubMed 20530761 (cited by Labcorp Genetics (formerly Invitae), Labcorp and Color Diagnostics, LLC DBA Color Health); PubMed 37652022 (cited by Labcorp Genetics (formerly Invitae), Labcorp); PubMed 32969603 (cited by Labcorp Genetics (formerly Invitae), Labcorp); PubMed 30696458 (cited by Color Diagnostics, LLC DBA Color Health).

NM_001276345.2(TNNT2):c.482G>A (p.Arg161His)

Gene: TNNT2 (troponin T2, cardiac type; minus strand). Cytogenetic location: 1q32.1.
Variant type: single nucleotide variant.
Coding change: c.482G>A on transcript NM_001276345.2 (MANE Select); coding-DNA position 482, G replaced by A.
Protein change: p.Arg161His; replaces arginine 161 with histidine.
Molecular consequence: missense variant.
Genome position (GRCh38, 1-based): chr1:201,364,305, C>T on the plus strand (G>A on the coding strand, the complement: TNNT2 is on the minus strand). VCF-style: chr1-201364305-C-T. GRCh37 (hg19) VCF-style: chr1-201333433-C-T.
Other names: c.452G>A (NM_001001430.1); c.482G>A, p.Arg161His (NM_000364.4); c.452G>A, p.Arg151His (NM_001001430.3, NM_001001431.3, NM_001276347.2); c.437G>A, p.Arg146His (NM_001001432.3); c.362G>A, p.Arg121His (NM_001276346.2); short protein forms R146H, R151H, R161H, R121H.
Identifiers: ClinVar variation 437410 (VCV000437410.14), dbSNP rs201048783, ClinGen allele CA029158.